The following is an entry in ClinVar:

NM_001042492.3(NF1):c.5600C>T (p.Pro1867Leu)

Gene: NF1 (neurofibromin 1; plus strand). Cytogenetic location: 17q11.2.
Variant type: single nucleotide variant.
Coding change: c.5600C>T on transcript NM_001042492.3 (MANE Select); coding-DNA position 5600, C replaced by T.
Protein change: p.Pro1867Leu; replaces proline 1867 with leucine.
Molecular consequence: missense variant.
Genome position (GRCh38, 1-based): chr17:31,327,830, C>T. VCF-style: chr17-31327830-C-T. GRCh37 (hg19) VCF-style: chr17-29654848-C-T.
Other names: c.5537C>T, p.Pro1846Leu (NM_000267.4); short protein forms P1867L, P1846L.
Identifiers: ClinVar variation 2099727 (VCV002099727.4), dbSNP rs2151541946, ClinGen allele CA399010058.
Genomic context (GRCh38, chr17:31,327,830, plus strand): 5'-CAAAAGATGTCCCTGGGACACTGCTCAATATCGCATTACTTAATTTAGGCAGTTCTGACC[C>T]GAGTTTACGGTAGGTTTTTTAAAATTCTCTTCAGTTTGATTTGGGGTTTGTTGCTTTTAA-3'
Protein context (NP_001035957.1, residues 1857-1877): IALLNLGSSD[Pro1867Leu]SLRSAAYNLL

ClinVar aggregate classification (germline): Uncertain significance (1 of 4 stars; one submission).

Conditions:
Neurofibromatosis, type 1 (NF1). Also called: Peripheral type neurofibromatosis; NEUROFIBROMATOSIS, TYPE I, SOMATIC; VON RECKLINGHAUSEN DISEASE; Neurofibromatosis, type I. Identifiers: Orphanet 636, MedGen C0027831, MONDO:0018975, OMIM 162200. Disease mechanism: loss of function.

Submission:

Labcorp Genetics (formerly Invitae), Labcorp
Classification: Uncertain significance for Neurofibromatosis, type 1. Last evaluated: 2022-02-19. Review status: criteria provided, single submitter. Criteria: Invitae Variant Classification Sherloc (09022015). Collection method: clinical testing. Allele origin: germline.
Comment: This sequence change replaces proline, which is neutral and non-polar, with leucine, which is neutral and non-polar, at codon 1846 of the NF1 protein (p.Pro1846Leu). In summary, the available evidence is currently insufficient to determine the role of this variant in disease. Therefore, it has been classified as a Variant of Uncertain Significance. Advanced modeling of protein sequence and biophysical properties (such as structural, functional, and spatial information, amino acid conservation, physicochemical variation, residue mobility, and thermodynamic stability) performed at Invitae indicates that this missense variant is expected to disrupt NF1 protein function. This variant has not been reported in the literature in individuals affected with NF1-related conditions. This variant is not present in population databases (gnomAD no frequency).